The following is an entry in ClinVar:

ClinVar aggregate classification (germline): Uncertain significance (1 of 4 stars; one submission).

Conditions:
Hereditary hemorrhagic telangiectasia (HHT). Also called: ORW DISEASE; Osler Weber Rendu syndrome; OSLER-RENDU-WEBER DISEASE; Osler hemorrhagic telangiectasia syndrome. Identifiers: Orphanet 774, MedGen C0039445, MONDO:0019180. Disease mechanism: loss of function.

Submission:

Labcorp Genetics (formerly Invitae), Labcorp
Classification: Uncertain significance for Hereditary hemorrhagic telangiectasia. Last evaluated: 2021-07-21. Review status: criteria provided, single submitter. Criteria: Invitae Variant Classification Sherloc (09022015). Collection method: clinical testing. Allele origin: germline.
Comment: In summary, the available evidence is currently insufficient to determine the role of this variant in disease. Therefore, it has been classified as a Variant of Uncertain Significance. This variant has not been reported in the literature in individuals affected with ENG-related conditions. A copy number gain of the genomic region encompassing the full coding sequence of the ENG gene has been identified. The boundaries of this event are unknown as they extend beyond the assayed region for this gene and therefore may encompass additional genes. As the precise location of this event is unknown, it may be in tandem or it may be located elsewhere in the genome.

NC_000009.11:g.(?_130578196)_(130616761_?)dup

Gene: ENG (endoglin; minus strand). Cytogenetic location: 9q34.11.
Variant type: Duplication.
Identifiers: ClinVar variation 1409013 (VCV001409013.6).